The following is an entry in ClinVar:

ClinVar aggregate classification (germline): Likely benign (0 of 4 stars; one submission).

Conditions:
TOP3B-related disorder. Also called: TOP3B-related condition.

Allele frequency attached by ClinVar (database versions not stated): 1000 Genomes Project 0.00040; 1000 Genomes Project 30x 0.00047; TOPMed 0.00224; gnomAD 0.00244; ExAC 0.00264; ESP Exome Variant Server 0.00392; gnomAD exomes 0.00416.
gnomAD v4.1: 6,359 of 1,613,680 alleles (0.39%); highest among the groups gnomAD compares: Non-Finnish European, 0.51%; 24 homozygotes.

Submission:

PreventionGenetics, part of Exact Sciences
Classification: Likely benign for TOP3B-related condition. Last evaluated: 2019-04-30. Review status: no assertion criteria provided. Collection method: clinical testing. Allele origin: germline.
Comment: This variant is classified as likely benign based on ACMG/AMP sequence variant interpretation guidelines (Richards et al. 2015 PMID: 25741868, with internal and published modifications).

NM_001282112.2(TOP3B):c.1415G>A (p.Arg472Gln)

Gene: TOP3B (DNA topoisomerase III beta; minus strand). Cytogenetic location: 22q11.22.
Variant type: single nucleotide variant.
Coding change: c.1415G>A on transcript NM_001282112.2 (MANE Select); coding-DNA position 1415, G replaced by A.
Protein change: p.Arg472Gln; replaces arginine 472 with glutamine.
Molecular consequence: missense variant. On other transcripts: non-coding transcript variant (1).
Genome position (GRCh38, 1-based): chr22:21,962,539, C>T on the plus strand (G>A on the coding strand, the complement: TOP3B is on the minus strand). VCF-style: chr22-21962539-C-T. GRCh37 (hg19) VCF-style: chr22-22316911-C-T.
Other names: c.1415G>A, p.Arg472Gln (NM_001282113.2, NM_001349845.2, NM_001349847.2 and 1 more transcripts); c.1007G>A, p.Arg336Gln (NM_001349848.2, NM_001349850.2, NM_001349851.2 and 1 more transcripts); short protein forms R336Q, R472Q.
Identifiers: ClinVar variation 3057101 (VCV003057101.2), dbSNP rs146766833, ClinGen allele CA10125595.